The following is an entry in ClinVar:

ClinVar aggregate classification (germline): Uncertain significance (1 of 4 stars; one submission).

Conditions:
EGFR-related lung cancer (EGFR). Identifiers: MedGen CN130014.

Submission:

Labcorp Genetics (formerly Invitae), Labcorp
Classification: Uncertain significance for EGFR-related lung cancer. Last evaluated: 2024-01-17. Review status: criteria provided, single submitter. Criteria: Invitae Variant Classification Sherloc (09022015). Collection method: clinical testing. Allele origin: germline.
Comment: This sequence change replaces lysine, which is basic and polar, with arginine, which is basic and polar, at codon 593 of the EGFR protein (p.Lys593Arg). This variant is not present in population databases (gnomAD no frequency). This variant has not been reported in the literature in individuals affected with EGFR-related conditions. Advanced modeling of protein sequence and biophysical properties (such as structural, functional, and spatial information, amino acid conservation, physicochemical variation, residue mobility, and thermodynamic stability) performed at Invitae indicates that this missense variant is not expected to disrupt EGFR protein function with a negative predictive value of 80%. In summary, the available evidence is currently insufficient to determine the role of this variant in disease. Therefore, it has been classified as a Variant of Uncertain Significance.

NM_005228.5(EGFR):c.1778A>G (p.Lys593Arg)

Gene: EGFR (epidermal growth factor receptor; plus strand). Cytogenetic location: 7p11.2.
Variant type: single nucleotide variant.
Coding change: c.1778A>G on transcript NM_005228.5 (MANE Select); coding-DNA position 1778, A replaced by G.
Protein change: p.Lys593Arg; replaces lysine 593 with arginine.
Molecular consequence: missense variant.
Genome position (GRCh38, 1-based): chr7:55,165,335, A>G. VCF-style: chr7-55165335-A-G. GRCh37 (hg19) VCF-style: chr7-55233028-A-G.
Other names: c.1643A>G, p.Lys548Arg (NM_001346897.2, NM_001346899.2); c.1778A>G, p.Lys593Arg (NM_001346898.2, NM_201282.2, NM_201284.2); c.1619A>G, p.Lys540Arg (NM_001346900.2); c.977A>G, p.Lys326Arg (NM_001346941.2); short protein forms K548R, K540R, K593R, K326R.
Identifiers: ClinVar variation 2885189 (VCV002885189.3), dbSNP rs2128946240, ClinGen allele CA367580793.